The following is an entry in ClinVar:

NM_003482.4(KMT2D):c.2091_2093del (p.Thr698del)

Gene: KMT2D (lysine methyltransferase 2D; minus strand). Cytogenetic location: 12q13.12.
Variant type: Deletion.
Coding change: c.2091_2093del on transcript NM_003482.4 (MANE Select); coding-DNA positions 2091 to 2093, 3 bases deleted (CAC; older notation c.2091_2093delCAC).
Protein change: p.Thr698del; deletes threonine 698.
Molecular consequence: inframe deletion.
Genome position (GRCh38, 1-based): chr12:49,051,590-49,051,592, GTG deleted on the plus strand (CAC on the coding strand, the reverse complement: KMT2D is on the minus strand); deleting any 3 consecutive bases within chr12:49,051,590-49,051,593 gives the same sequence; the c. name uses the placement nearest the transcript's 3' end. VCF-style (leftmost placement, unchanged base first): chr12-49051589-TGTG-T. GRCh37 (hg19) VCF-style: chr12-49445372-TGTG-T.
Other names: short protein forms T698del.
Identifiers: ClinVar variation 2053150 (VCV002053150.4), dbSNP rs2498455680, ClinGen allele CA2580086363.

ClinVar aggregate classification (germline): Uncertain significance (1 of 4 stars; one submission).

Conditions:
Kabuki syndrome. Also called: Kabuki make-up syndrome; NIIKAWA-KUROKI SYNDROME. Identifiers: Orphanet 2322, MedGen C0796004, MONDO:0016512.

Submission:

Labcorp Genetics (formerly Invitae), Labcorp
Classification: Uncertain significance for Kabuki syndrome. Last evaluated: 2025-11-03. Review status: criteria provided, single submitter. Criteria: Invitae Variant Classification Sherloc (09022015). Collection method: clinical testing. Allele origin: germline.
Comment: This variant, c.2091_2093del, results in the deletion of 1 amino acid(s) of the KMT2D protein (p.Thr698del), but otherwise preserves the integrity of the reading frame. This variant is not present in population databases (gnomAD no frequency). This variant has not been reported in the literature in individuals affected with KMT2D-related conditions. ClinVar contains an entry for this variant (Variation ID: 2053150). Experimental studies and prediction algorithms are not available or were not evaluated, and the functional significance of this variant is currently unknown. In summary, the available evidence is currently insufficient to determine the role of this variant in disease. Therefore, it has been classified as a Variant of Uncertain Significance.